The following is an entry in ClinVar:

ClinVar aggregate classification (germline): Conflicting classifications of pathogenicity. Review status: criteria provided, conflicting classifications (1 of 4 stars). 6 submissions from 6 submitters: Likely pathogenic (3); Uncertain significance (2). 1 of the submissions does not count toward it. Last evaluated 2026-01-01.

Conditions:
MPDU1-congenital disorder of glycosylation. Also called: CDG If; MPDU1-CDG; CONGENITAL DISORDER OF GLYCOSYLATION, TYPE If. Identifiers: Orphanet 79323, MedGen C1836669, MONDO:0012211, OMIM 609180.

Allele frequency attached by ClinVar (database versions not stated): gnomAD exomes 0.00001 and 0.00002; TOPMed below 0.00001; ExAC 0.00002.
gnomAD v4.1: 9 of 1,614,152 alleles (0.00056%); highest among the groups gnomAD compares: Middle Eastern, 0.017%; no homozygotes.

Submissions (6):

CeGaT Center for Human Genetics Tuebingen
Classification: Likely pathogenic. Last evaluated: 2026-01-01. Review status: criteria provided, single submitter. Criteria: CeGaT Center For Human Genetics Tuebingen Variant Classification Criteria Version 2. Collection method: clinical testing. Allele origin: germline. Affected: yes. Observed: 1 variant allele.
Comment: MPDU1: PM2, PM3, PP4:Moderate, PS3:Moderate

Institute of Human Genetics, University of Leipzig Medical Center
Classification: Likely pathogenic for MPDU1-congenital disorder of glycosylation. Last evaluated: 2025-01-10. Review status: criteria provided, single submitter. Criteria: ACMG Guidelines, 2015. Collection method: clinical testing. Allele origin: maternal. Inheritance: Autosomal recessive inheritance. Affected: yes.
Comment: Criteria applied: PM2,PP3,PM3_STR

Institute of Human Genetics Munich, TUM University Hospital
Classification: Likely pathogenic for MPDU1-congenital disorder of glycosylation. Last evaluated: 2017-12-09. Review status: criteria provided, single submitter. Criteria: Classification criteria August 2017. Collection method: clinical testing. Allele origin: inherited. Inheritance: Autosomal recessive inheritance. Affected: yes. Observed: 1 homozygote.

Eurofins Ntd Llc (ga)
Classification: Uncertain significance. Last evaluated: 2016-09-22. Review status: criteria provided, single submitter. Criteria: EGL Classification Definitions 2015. Collection method: clinical testing. Allele origin: germline. Observed: 3 variant alleles, 2 heterozygotes, 1 homozygote.

Suma Genomics
Classification: Uncertain significance for MPDU1-congenital disorder of glycosylation. Review status: criteria provided, single submitter. Criteria: ACMG Guidelines, 2015. Collection method: clinical testing. Allele origin: inherited. Inheritance: Autosomal recessive inheritance. Affected: yes.

OMIM
Classification: Pathogenic for CONGENITAL DISORDER OF GLYCOSYLATION, TYPE If. Last evaluated: 2001-12-01. Review status: no assertion criteria provided. Collection method: literature only. Allele origin: germline. Not counted in ClinVar's aggregate classification.

Literature cited by the submitters: PubMed 11733564 (cited by OMIM).

NM_004870.4(MPDU1):c.218G>A (p.Gly73Glu)

Gene: MPDU1 (mannose-P-dolichol utilization defect 1; plus strand). Cytogenetic location: 17p13.1.
Variant type: single nucleotide variant.
Coding change: c.218G>A on transcript NM_004870.4 (MANE Select); coding-DNA position 218, G replaced by A.
Protein change: p.Gly73Glu; replaces glycine 73 with glutamic acid.
Molecular consequence: missense variant. On other transcripts: non-coding transcript variant (1).
Genome position (GRCh38, 1-based): chr17:7,585,994, G>A. VCF-style: chr17-7585994-G-A. GRCh37 (hg19) VCF-style: chr17-7489312-G-A.
Other names: c.218G>A, p.Gly73Glu (NM_001330073.1); short protein forms G73E.
Identifiers: ClinVar variation 5867 (VCV000005867.48), dbSNP rs104894586, ClinGen allele CA117816.